The following is an entry in ClinVar:

ClinVar aggregate classification (germline): Benign. Review status: criteria provided, multiple submitters, no conflicts (2 of 4 stars). 6 submissions from 6 submitters: Benign (5). 1 of the submissions does not count toward it. Last evaluated 2026-01-27.

Conditions:
PHARC syndrome. Also called: Polyneuropathy-hearing loss-ataxia-retinitis pigmentosa-cataract syndrome. Identifiers: Orphanet 171848, MedGen C2675204, MONDO:0012984, OMIM 612674.

Allele frequency attached by ClinVar (database versions not stated): gnomAD exomes 0.00175; ExAC 0.00213; 1000 Genomes Project 0.00459; 1000 Genomes Project 30x 0.00578; ESP Exome Variant Server 0.00692; gnomAD 0.00708 and 0.00770; TOPMed 0.00717.
gnomAD v4.1: 2,102 of 1,614,130 alleles (0.13%); highest among the groups gnomAD compares: African/African-American, 2.4%; 22 homozygotes.

Submissions (6):

Labcorp Genetics (formerly Invitae), Labcorp
Classification: Benign. Last evaluated: 2026-01-27. Review status: criteria provided, single submitter. Criteria: Invitae Variant Classification Sherloc (09022015). Collection method: clinical testing. Allele origin: germline.

GeneDx
Classification: Benign. Last evaluated: 2019-02-11. Review status: criteria provided, single submitter. Criteria: GeneDx Variant Classification Process June 2021. Collection method: clinical testing. Allele origin: germline. Affected: yes.

Illumina Laboratory Services, Illumina
Classification: Benign for PHARC syndrome. Last evaluated: 2018-01-12. Review status: criteria provided, single submitter. Criteria: ICSL Variant Classification Criteria 13 December 2019. Collection method: clinical testing. Allele origin: germline.
Comment: This variant was observed in the ICSL laboratory as part of a predisposition screen in an ostensibly healthy population. It had not been previously curated by ICSL or reported in the Human Gene Mutation Database (HGMD: prior to June 1st, 2018), and was therefore a candidate for classification through an automated scoring system. Utilizing variant allele frequency, disease prevalence and penetrance estimates, and inheritance mode, an automated score was calculated to assess if this variant is too frequent to cause the disease. Based on the score and internal cut-off values, a variant classified as benign is not then subjected to further curation. The score for this variant resulted in a classification of benign for this disease.

Clinical Genetics DNA and cytogenetics Diagnostics Lab, Erasmus MC, Erasmus Medical Center
Classification: Benign for PHARC syndrome. Last evaluated: 2015-12-07. Review status: criteria provided, single submitter. Criteria: ACGS Guidelines, 2013. Collection method: clinical testing. Allele origin: germline. Affected: yes. Study: VKGL Data-share Consensus.

Breakthrough Genomics
Classification: Benign. Review status: criteria provided, single submitter. Criteria: ACMG Guidelines, 2015. Collection method: not provided. Allele origin: germline. Inheritance: Autosomal recessive inheritance. Affected: yes.

Clinical Genetics, Academic Medical Center
Classification: Benign. Review status: no assertion criteria provided. Collection method: clinical testing. Allele origin: germline. Affected: yes. Study: VKGL Data-share Consensus. Not counted in ClinVar's aggregate classification.

NM_001042472.3(ABHD12):c.202G>A (p.Val68Met)

Gene: ABHD12 (abhydrolase domain containing 12, lysophospholipase; minus strand). Cytogenetic location: 20p11.21.
Variant type: single nucleotide variant.
Coding change: c.202G>A on transcript NM_001042472.3 (MANE Select); coding-DNA position 202, G replaced by A.
Protein change: p.Val68Met; replaces valine 68 with methionine.
Molecular consequence: missense variant.
Genome position (GRCh38, 1-based): chr20:25,339,341, C>T on the plus strand (G>A on the coding strand, the complement: ABHD12 is on the minus strand). VCF-style: chr20-25339341-C-T. GRCh37 (hg19) VCF-style: chr20-25319977-C-T.
Other names: c.202G>A, p.Val68Met (NM_015600.5); short protein forms V68M.
Identifiers: ClinVar variation 337998 (VCV000337998.19), dbSNP rs11904930, ClinGen allele CA9796220.